The following is an entry in ClinVar:

NM_012309.5(SHANK2):c.1759C>T (p.Pro587Ser)

Gene: SHANK2 (SH3 and multiple ankyrin repeat domains 2; minus strand). Cytogenetic location: 11q13.4.
Variant type: single nucleotide variant.
Coding change: c.1759C>T on transcript NM_012309.5 (MANE Select); coding-DNA position 1759, C replaced by T.
Protein change: p.Pro587Ser; replaces proline 587 with serine.
Molecular consequence: missense variant.
Genome position (GRCh38, 1-based): chr11:70,798,461, G>A on the plus strand (C>T on the coding strand, the complement: SHANK2 is on the minus strand). VCF-style: chr11-70798461-G-A. GRCh37 (hg19) VCF-style: chr11-70644566-G-A.
Other names: c.622C>T, p.Pro208Ser (NM_001379226.1); short protein forms P587S, P208S.
Identifiers: ClinVar variation 437879 (VCV000437879.11), dbSNP rs149996975, ClinGen allele CA6161767.

ClinVar aggregate classification (germline): Benign. Review status: criteria provided, single submitter (1 of 4 stars). 2 submissions from 2 submitters: Benign (1). 1 of the submissions does not count toward it. Last evaluated 2026-08-01.

Conditions:
Autism (AUTS). Also called: Autistic disorder; Autistic disorder of childhood onset. Identifiers: MedGen C0004352, MeSH D001321, MONDO:0005260, OMIM 209850, HP:0000717.

Allele frequency attached by ClinVar (database versions not stated): ExAC 0.00035; 1000 Genomes Project 0.00060; ESP Exome Variant Server 0.00066; gnomAD exomes 0.00066 and 0.00090; 1000 Genomes Project 30x 0.00078; gnomAD 0.00088 and 0.00094; TOPMed 0.00110.
gnomAD v4.1: 535 of 718,420 alleles (0.074%); highest among the groups gnomAD compares: Admixed American, 0.35%; 1 homozygote.

Submissions (2):

CeGaT Center for Human Genetics Tuebingen
Classification: Benign. Last evaluated: 2026-08-01. Review status: criteria provided, single submitter. Criteria: CeGaT Center For Human Genetics Tuebingen Variant Classification Criteria Version 2. Collection method: clinical testing. Allele origin: germline. Affected: yes. Observed: 3 variant alleles.
Comment: SHANK2: BS1, BS2

Genetics Laboratory, Facudade de Medicina de Sao Jose do Rio Preto
Classification: Uncertain significance for Autism. Last evaluated: 2016-01-01. Review status: no assertion criteria provided. Collection method: research. Allele origin: unknown. Affected: yes. Observed: 3 variant alleles. Not counted in ClinVar's aggregate classification.